The following is an entry in ClinVar:

NM_000093.5(COL5A1):c.4783G>A (p.Asp1595Asn)

Genes: COL5A1 (collagen type V alpha 1 chain; plus strand), LOC101448202 (uncharacterized LOC101448202; minus strand). Cytogenetic location: 9q34.3.
Variant type: single nucleotide variant.
Coding change: c.4783G>A on transcript NM_000093.5 (MANE Select); coding-DNA position 4783, G replaced by A.
Protein change: p.Asp1595Asn; replaces aspartic acid 1595 with asparagine.
Molecular consequence: missense variant.
Genome position (GRCh38, 1-based): chr9:134,824,684, G>A. VCF-style: chr9-134824684-G-A. GRCh37 (hg19) VCF-style: chr9-137716530-G-A.
Other names: p.D1595N:GAC>AAC; c.4783G>A, p.Asp1595Asn (NM_001278074.1); short protein forms D1595N.
Identifiers: ClinVar variation 212991 (VCV000212991.11), dbSNP rs748610273, ClinGen allele CA322476.

ClinVar aggregate classification (germline): Conflicting classifications of pathogenicity. Review status: criteria provided, conflicting classifications (1 of 4 stars). 3 submissions from 3 submitters: Uncertain significance (2); Likely benign (1). Last evaluated 2026-01-19.

Conditions:
Ehlers-Danlos syndrome, classic type, 1 (EDSCL1). Also called: Ehlers-Danlos Syndrome, Classic Type, COL5A1-Related; EHLERS-DANLOS SYNDROME, GRAVIS TYPE; EHLERS-DANLOS SYNDROME, SEVERE CLASSIC TYPE; Ehlers-Danlos syndrome, type 1; EDS I. Identifiers: MedGen C0268335, MONDO:0019567, OMIM 130000.
Familial thoracic aortic aneurysm and aortic dissection (TAAD). Also called: Thoracic aortic aneurysms and dissections. Identifiers: Orphanet 91387, MedGen C4707243, MONDO:0019625.

Allele frequency attached by ClinVar (database versions not stated): TOPMed 0.00001; gnomAD exomes 0.00002 and 0.00001; ExAC 0.00001; gnomAD 0.00001.
gnomAD v4.1: 18 of 1,614,114 alleles (0.0011%); highest among the groups gnomAD compares: Admixed American, 0.005%; 1 homozygote.

Submissions (3):

Labcorp Genetics (formerly Invitae), Labcorp
Classification: Likely benign for Ehlers-Danlos syndrome, classic type, 1. Last evaluated: 2026-01-19. Review status: criteria provided, single submitter. Criteria: Invitae Variant Classification Sherloc (09022015). Collection method: clinical testing. Allele origin: germline.

Ambry Genetics
Classification: Uncertain significance for Familial thoracic aortic aneurysm and aortic dissection. Last evaluated: 2022-01-11. Review status: criteria provided, single submitter. Criteria: Ambry Variant Classification Scheme 2023. Collection method: clinical testing. Allele origin: germline.
Comment: The p.D1595N variant (also known as c.4783G>A), located in coding exon 62 of the COL5A1 gene, results from a G to A substitution at nucleotide position 4783. The aspartic acid at codon 1595 is replaced by asparagine, an amino acid with highly similar properties. This amino acid position is not well conserved in available vertebrate species. In addition, this alteration is predicted to be tolerated by in silico analysis. Since supporting evidence is limited at this time, the clinical significance of this alteration remains unclear.

GeneDx
Classification: Uncertain significance. Last evaluated: 2018-05-21. Review status: criteria provided, single submitter. Criteria: GeneDx Variant Classification (06012015). Collection method: clinical testing. Allele origin: germline. Affected: yes.
Comment: p.Asp1595Asn (GAC>AAC): c.4783 G>A in exon 62 in the COL5A1 gene (NM_000093.3). The D1595N variant in the COL5A1 gene has not been published as a mutation, nor has it been reported as a benign polymorphism to our knowledge. The D1595N variant was not observed in approximately 6,500 individuals of European and African American ancestry in the NHLBI Exome Sequencing Project, indicating it is not a common benign variant in these populations. The D1595N variant is a semi-conservative amino acid substitution, which may impact secondary protein structure as these residues differ in some properties. This substitution occurs at a position where amino acids with similar properties to Aspartic acid are tolerated across species. In silico analysis is inconsistent in its predictions as to whether or not the variant is damaging to the protein structure/function.We interpret D1595N as a variant of unknown significance.This variant was found in HG19-EXOME-